The following is an entry in ClinVar:

ClinVar aggregate classification (germline): Uncertain significance (1 of 4 stars; one submission).

Conditions:
SEMA3F-related disorder. Also called: SEMA3F-related condition.

Allele frequency attached by ClinVar (database versions not stated): gnomAD exomes 0.00001; gnomAD 0.00002; TOPMed 0.00002; ExAC 0.00003.
gnomAD v4.1: 15 of 1,541,738 alleles (0.00097%); highest among the groups gnomAD compares: Middle Eastern, 0.018%; no homozygotes.

Submission:

PreventionGenetics, part of Exact Sciences
Classification: Uncertain significance for SEMA3F-related condition. Last evaluated: 2023-03-14. Review status: criteria provided, single submitter. Criteria: ACMG Guidelines, 2015. Collection method: clinical testing. Allele origin: germline.
Comment: The SEMA3F c.2336G>A variant is predicted to result in the amino acid substitution p.Arg779Gln. To our knowledge, this variant has not been reported in the literature or in a large population database, indicating this variant is rare. At this time, the clinical significance of this variant is uncertain due to the absence of conclusive functional and genetic evidence.

NM_004186.5(SEMA3F):c.2336G>A (p.Arg779Gln)

Gene: SEMA3F (semaphorin 3F; plus strand). Cytogenetic location: 3p21.31.
Variant type: single nucleotide variant.
Coding change: c.2336G>A on transcript NM_004186.5 (MANE Select); coding-DNA position 2336, G replaced by A.
Protein change: p.Arg779Gln; replaces arginine 779 with glutamine.
Molecular consequence: missense variant.
Genome position (GRCh38, 1-based): chr3:50,188,093, G>A. VCF-style: chr3-50188093-G-A. GRCh37 (hg19) VCF-style: chr3-50225526-G-A.
Other names: c.2039G>A, p.Arg680Gln (NM_001318798.2); c.2243G>A, p.Arg748Gln (NM_001318800.2); short protein forms R680Q, R748Q, R779Q.
Identifiers: ClinVar variation 2635652 (VCV002635652.1), dbSNP rs762867485, ClinGen allele CA2412391.